The following is an entry in ClinVar:

NM_006785.4(MALT1):c.1756C>A (p.Leu586Ile)

Gene: MALT1 (MALT1 paracaspase; plus strand). Cytogenetic location: 18q21.32.
Variant type: single nucleotide variant.
Coding change: c.1756C>A on transcript NM_006785.4 (MANE Select); coding-DNA position 1756, C replaced by A.
Protein change: p.Leu586Ile; replaces leucine 586 with isoleucine.
Molecular consequence: missense variant.
Genome position (GRCh38, 1-based): chr18:58,744,340, C>A. VCF-style: chr18-58744340-C-A. GRCh37 (hg19) VCF-style: chr18-56411572-C-A.
Other names: c.1756C>A, p.Leu586Ile (LRG_1221t1); c.1723C>A, p.Leu575Ile (NM_173844.3); c.1756C>A (NM_006785.2); short protein forms L586I, L575I.
Identifiers: ClinVar variation 653241 (VCV000653241.6), dbSNP rs372665783, ClinGen allele CA8977989.
Genomic context (GRCh38, chr18:58,744,340, plus strand): 5'-ATATTTGCCTCTTATCATCAGAAAACCTACCAAAGTTGTTCTTATTGTTCTTTTTCAGAA[C>A]TTCCAGAAAGTATGTGTCTTAAGTTTGACTGTGGTGTTCAGATTCAATTAGGATTTGCAG-3'
Protein context (NP_006776.1, residues 576-596): RNLQWAKAHE[Leu586Ile]PESMCLKFDC

ClinVar aggregate classification (germline): Uncertain significance. Review status: criteria provided, multiple submitters, no conflicts (2 of 4 stars). 3 submissions from 3 submitters: Uncertain significance (3). Last evaluated 2025-02-25.

Conditions:
Inborn genetic diseases. Identifiers: MedGen C0950123, MeSH D030342.
Combined immunodeficiency due to MALT1 deficiency. Also called: Immunodeficiency 12. Identifiers: Orphanet 397964, MedGen C3809583, MONDO:0014197, OMIM 615468.

Allele frequency attached by ClinVar (database versions not stated): gnomAD exomes 0.00004 and 0.00003; gnomAD 0.00001; ExAC 0.00002; TOPMed 0.00003.
gnomAD v4.1: 58 of 1,586,172 alleles (0.0037%); highest among the groups gnomAD compares: Middle Eastern, 0.033%; no homozygotes.

Submissions (3):

Ambry Genetics
Classification: Uncertain significance for Inborn genetic diseases. Last evaluated: 2025-02-25. Review status: criteria provided, single submitter. Criteria: Ambry Variant Classification Scheme 2023. Collection method: clinical testing. Allele origin: germline.

Blueprint Genetics
Classification: Uncertain significance. Last evaluated: 2024-10-23. Review status: criteria provided, single submitter. Criteria: ACMG Guidelines, 2015. Collection method: clinical testing. Allele origin: germline.

Labcorp Genetics (formerly Invitae), Labcorp
Classification: Uncertain significance for Combined immunodeficiency due to MALT1 deficiency. Last evaluated: 2022-09-06. Review status: criteria provided, single submitter. Criteria: Invitae Variant Classification Sherloc (09022015). Collection method: clinical testing. Allele origin: germline.
Comment: This sequence change replaces leucine, which is neutral and non-polar, with isoleucine, which is neutral and non-polar, at codon 586 of the MALT1 protein (p.Leu586Ile). This variant is present in population databases (rs372665783, gnomAD 0.01%). This variant has not been reported in the literature in individuals affected with MALT1-related conditions. ClinVar contains an entry for this variant (Variation ID: 653241). Algorithms developed to predict the effect of missense changes on protein structure and function are either unavailable or do not agree on the potential impact of this missense change (SIFT: "Deleterious"; PolyPhen-2: "Possibly Damaging"; Align-GVGD: "Class C0"). In summary, the available evidence is currently insufficient to determine the role of this variant in disease. Therefore, it has been classified as a Variant of Uncertain Significance.